The following is an entry in ClinVar:

ClinVar aggregate classification (germline): Conflicting classifications of pathogenicity. Review status: criteria provided, conflicting classifications (1 of 4 stars). 14 submissions from 14 submitters: Uncertain significance (1); Benign (10); Likely benign (1). 2 of the submissions do not count toward it. Last evaluated 2026-02-02.

Conditions:
Focal segmental glomerulosclerosis 5 (FSGS5). Identifiers: Orphanet 656, MedGen C2750475, MONDO:0013191, OMIM 613237.
Inborn genetic diseases. Identifiers: MedGen C0950123, MeSH D030342.
Charcot-Marie-Tooth disease dominant intermediate E. Also called: CHARCOT-MARIE-TOOTH NEUROPATHY WITH FOCAL SEGMENTAL GLOMERULONEPHRITIS. Identifiers: Orphanet 93114, MedGen C4302667, MONDO:0013758, OMIM 614455.
Kidney disorder. Also called: Kidney disease; Kidney Diseases; renal disorder; Nephropathy; renal disease. Identifiers: MedGen C0022658, MONDO:0005240, HP:0000112.

Allele frequency attached by ClinVar (database versions not stated): 1000 Genomes Project 0.00319; 1000 Genomes Project 30x 0.00375; ESP Exome Variant Server 0.00516; gnomAD 0.00538 and 0.00543; TOPMed 0.00667; gnomAD exomes 0.00706 and 0.00777; ExAC 0.00778.

Submissions (14):

Labcorp Genetics (formerly Invitae), Labcorp
Classification: Benign for Charcot-Marie-Tooth disease dominant intermediate E; Focal segmental glomerulosclerosis 5. Last evaluated: 2026-02-02. Review status: criteria provided, single submitter. Criteria: Invitae Variant Classification Sherloc (09022015). Collection method: clinical testing. Allele origin: germline.

ARUP Laboratories, Molecular Genetics and Genomics, ARUP Laboratories
Classification: Benign. Last evaluated: 2025-07-17. Review status: criteria provided, single submitter. Criteria: ARUP Molecular Germline Variant Investigation Process 2024. Collection method: clinical testing. Allele origin: germline.

Blueprint Genetics
Classification: Benign. Last evaluated: 2024-11-27. Review status: criteria provided, single submitter. Criteria: ACMG Guidelines, 2015. Collection method: clinical testing. Allele origin: germline.

Mayo Clinic Laboratories, Mayo Clinic
Classification: Benign. Last evaluated: 2023-02-21. Review status: criteria provided, single submitter. Criteria: ACMG Guidelines, 2015. Collection method: clinical testing. Allele origin: germline. Observed: 45 variant alleles.
Comment: BA1

Fulgent Genetics
Classification: Benign for Focal segmental glomerulosclerosis 5; Charcot-Marie-Tooth disease dominant intermediate E. Last evaluated: 2021-07-20. Review status: criteria provided, single submitter. Criteria: ACMG Guidelines, 2015. Collection method: clinical testing. Allele origin: unknown.

Ambry Genetics
Classification: Likely benign for Inborn genetic diseases. Last evaluated: 2019-07-11. Review status: criteria provided, single submitter. Criteria: Ambry Variant Classification Scheme 2023. Collection method: clinical testing. Allele origin: germline.

Athena Diagnostics
Classification: Benign. Last evaluated: 2018-12-11. Review status: criteria provided, single submitter. Criteria: Athena Diagnostics Criteria. Collection method: clinical testing. Allele origin: germline.

Illumina Laboratory Services, Illumina
Classification: Benign for Focal segmental glomerulosclerosis 5. Last evaluated: 2018-01-12. Review status: criteria provided, single submitter. Criteria: ICSL Variant Classification Criteria 13 December 2019. Collection method: clinical testing. Allele origin: germline.
Comment: This variant was observed in the ICSL laboratory as part of a predisposition screen in an ostensibly healthy population. It had not been previously curated by ICSL or reported in the Human Gene Mutation Database (HGMD: prior to June 1st, 2018), and was therefore a candidate for classification through an automated scoring system. Utilizing variant allele frequency, disease prevalence and penetrance estimates, and inheritance mode, an automated score was calculated to assess if this variant is too frequent to cause the disease. Based on the score and internal cut-off values, a variant classified as benign is not then subjected to further curation. The score for this variant resulted in a classification of benign for this disease.

Genome Diagnostics Laboratory, The Hospital for Sick Children
Classification: Uncertain significance for Kidney disorder. Last evaluated: 2016-12-12. Review status: criteria provided, single submitter. Criteria: ACMG Guidelines, 2015. Collection method: clinical testing. Allele origin: germline.

GeneDx
Classification: Benign. Last evaluated: 2016-07-07. Review status: criteria provided, single submitter. Criteria: GeneDx Variant Classification (06012015). Collection method: clinical testing. Allele origin: germline. Affected: yes.
Comment: This variant is considered likely benign or benign based on one or more of the following criteria: it is a conservative change, it occurs at a poorly conserved position in the protein, it is predicted to be benign by multiple in silico algorithms, and/or has population frequency not consistent with disease.

Breakthrough Genomics
Classification: Benign. Review status: criteria provided, single submitter. Criteria: ACMG Guidelines, 2015. Collection method: not provided. Allele origin: germline. Inheritance: Autosomal dominant inheritance. Affected: yes.

PreventionGenetics, part of Exact Sciences
Classification: Benign. Review status: criteria provided, single submitter. Criteria: ACMG Guidelines, 2015. Collection method: clinical testing. Allele origin: germline.

Clinical Genetics, Academic Medical Center
Classification: Benign. Review status: no assertion criteria provided. Collection method: clinical testing. Allele origin: germline. Affected: yes. Study: VKGL Data-share Consensus. Not counted in ClinVar's aggregate classification.

Joint Genome Diagnostic Labs from Nijmegen and Maastricht, Radboudumc and MUMC+
Classification: Benign. Review status: no assertion criteria provided. Collection method: clinical testing. Allele origin: germline. Affected: yes. Study: VKGL Data-share Consensus. Not counted in ClinVar's aggregate classification.

Literature cited by the submitters: PubMed 30126379 (cited by Mayo Clinic Laboratories, Mayo Clinic and Athena Diagnostics).

NM_022489.4(INF2):c.879G>A (p.Ser293=)

Gene: INF2 (inverted formin 2; plus strand). Cytogenetic location: 14q32.33.
Variant type: single nucleotide variant.
Coding change: c.879G>A on transcript NM_022489.4 (MANE Select); coding-DNA position 879, G replaced by A.
Protein change: p.Ser293=; no amino-acid change (serine 293 retained).
Molecular consequence: synonymous variant.
Genome position (GRCh38, 1-based): chr14:104,706,945, G>A. VCF-style: chr14-104706945-G-A. GRCh37 (hg19) VCF-style: chr14-105173282-G-A.
Other names: p.Ser293=; c.879G>A, p.Ser293= (NM_001031714.4).
Identifiers: ClinVar variation 261629 (VCV000261629.39), dbSNP rs184709736, ClinGen allele CA7372456.